The following is an entry in ClinVar:

ClinVar aggregate classification (germline): Uncertain significance (1 of 4 stars; one submission).

Submission:

GeneDx
Classification: Uncertain significance. Last evaluated: 2025-03-02. Review status: criteria provided, single submitter. Criteria: GeneDx Variant Classification Process June 2021. Collection method: clinical testing. Allele origin: germline. Affected: yes.
Comment: Not observed at significant frequency in large population cohorts (gnomAD); In-frame deletion of 1 amino acid in a non-repeat region; In silico analysis supports a deleterious effect on protein structure/function; Has not been previously published as pathogenic or benign to our knowledge

NM_002968.3(SALL1):c.799TCT[1] (p.Ser269del)

Gene: SALL1 (spalt like transcription factor 1; minus strand). Cytogenetic location: 16q12.1.
Variant type: Microsatellite.
Coding change: c.799TCT[1] on transcript NM_002968.3 (MANE Select); one copy of the 3-base unit TCT starting at c.799; the reference has two copies in a row; one copy, 3 bases deleted; also written c.802_804del.
Protein change: p.Ser269del; deletes serine 269.
Molecular consequence: inframe indel (on NM_002968.2).
Genome position (GRCh38, 1-based): chr16:51,141,418-51,141,420, AGA deleted on the plus strand (TCT on the coding strand, the reverse complement: SALL1 is on the minus strand); deleting any 3 consecutive bases within chr16:51,141,418-51,141,423 gives the same sequence; the position shown is the placement nearest the transcript's 3' end. VCF-style (leftmost placement, unchanged base first): chr16-51141417-TAGA-T. GRCh37 (hg19) VCF-style: chr16-51175328-TAGA-T.
Other names: c.508TCT[1], p.Ser172del (NM_001127892.2); c.799_801TCT[1], p.Ser269del (NM_002968.2); c.802_804del (NM_002968.2); short protein forms S172del, S269del.
Identifiers: ClinVar variation 4082801 (VCV004082801.1).
Genomic context (GRCh38, chr16:51,141,417, plus strand): 5'-AATGGGAACTTAGCGTGGACAAGGGGTTGGCAGATGTTCGTAAAGTACCTTGAGAAGGAC[TAGA>T]AGATGTTGGCAAGTCTGCATTCTGAGAAGCCAACAGCAATATTTGGTGACGAATCTGTTC-3'